The following is an entry in ClinVar:

NM_000132.4(F8):c.2696G>A (p.Ser899Asn)

Gene: F8 (coagulation factor VIII; minus strand). Cytogenetic location: Xq28.
Variant type: single nucleotide variant.
Coding change: c.2696G>A on transcript NM_000132.4 (MANE Select); coding-DNA position 2696, G replaced by A.
Protein change: p.Ser899Asn; replaces serine 899 with asparagine.
Molecular consequence: missense variant.
Genome position (GRCh38, 1-based): chrX:154,931,094, C>T on the plus strand (G>A on the coding strand, the complement: F8 is on the minus strand). VCF-style: chrX-154931094-C-T. GRCh37 (hg19) VCF-style: chrX-154159369-C-T.
Other names: short protein forms S899N.
Identifiers: ClinVar variation 913257 (VCV000913257.32), dbSNP rs145089334, ClinGen allele CA10568296.

ClinVar aggregate classification (germline): Conflicting classifications of pathogenicity. Review status: criteria provided, conflicting classifications (1 of 4 stars). 5 submissions from 5 submitters: Uncertain significance (3); Likely benign (2). Last evaluated 2025-10-21.

Conditions:
F8-related disorder. Also called: F8-related condition.
Inborn genetic diseases. Identifiers: MedGen C0950123, MeSH D030342.
Hereditary factor VIII deficiency disease (HEMA). Also called: AUTOSOMAL HEMOPHILIA A; HEMOPHILIA, CLASSIC; Hemophilia A; Hemophilia A, congenital; HEM A; Factor 8 deficiency, congenital. Identifiers: Orphanet 98878, MedGen C0019069, MONDO:0010602, OMIM 306700.

Allele frequency attached by ClinVar (database versions not stated): gnomAD exomes 0.00006 and 0.00009; ExAC 0.00007; TOPMed 0.00007; gnomAD 0.00008; ESP Exome Variant Server 0.00019.
gnomAD v4.1: 108 of 1,205,416 alleles (0.009%); highest among the groups gnomAD compares: Non-Finnish European, 0.011%; 1 homozygote.

Submissions (5):

PreventionGenetics, part of Exact Sciences
Classification: Uncertain significance for F8-related condition. Last evaluated: 2025-10-21. Review status: criteria provided, single submitter. Criteria: ACMG Guidelines, 2015. Collection method: clinical testing. Allele origin: germline.
Comment: The F8 c.2696G>A variant is predicted to result in the amino acid substitution p.Ser899Asn. To our knowledge, this variant has not been reported in the literature. This variant is reported in 0.014% of alleles in individuals of European (Non-Finnish) descent in gnomAD. At this time, the clinical significance of this variant is uncertain due to the absence of conclusive functional and genetic evidence.

Blueprint Genetics
Classification: Likely benign. Last evaluated: 2024-09-03. Review status: criteria provided, single submitter. Criteria: ACMG Guidelines, 2015. Collection method: clinical testing. Allele origin: germline.

CeGaT Center for Human Genetics Tuebingen
Classification: Likely benign. Last evaluated: 2023-06-01. Review status: criteria provided, single submitter. Criteria: CeGaT Center For Human Genetics Tuebingen Variant Classification Criteria Version 2. Collection method: clinical testing. Allele origin: germline. Affected: yes. Observed: 1 variant allele.
Comment: F8: BS2

Ambry Genetics
Classification: Uncertain significance for Inborn genetic diseases. Last evaluated: 2023-03-06. Review status: criteria provided, single submitter. Criteria: Ambry Variant Classification Scheme 2023. Collection method: clinical testing. Allele origin: germline.

Illumina Laboratory Services, Illumina
Classification: Uncertain significance for Hereditary factor VIII deficiency disease. Last evaluated: 2018-03-30. Review status: criteria provided, single submitter. Criteria: ICSL Variant Classification Criteria 13 December 2019. Collection method: clinical testing. Allele origin: germline.